The following is an entry in ClinVar:

NC_000014.8:g.(?_23242421)_(23285111_?)del

Gene: SLC7A7 (solute carrier family 7 member 7; minus strand). Cytogenetic location: 14q11.2.
Variant type: Deletion.
Identifiers: ClinVar variation 2423735 (VCV002423735.4).

ClinVar aggregate classification (germline): Pathogenic (1 of 4 stars; one submission).

Conditions:
Lysinuric protein intolerance (LPI). Identifiers: Orphanet 470, MedGen C0268647, MONDO:0009109, OMIM 222700.

Submission:

Labcorp Genetics (formerly Invitae), Labcorp
Classification: Pathogenic for Lysinuric protein intolerance. Last evaluated: 2022-01-14. Review status: criteria provided, single submitter. Criteria: Invitae Variant Classification Sherloc (09022015). Collection method: clinical testing. Allele origin: germline.
Comment: For these reasons, this variant has been classified as Pathogenic. This variant has not been reported in the literature in individuals affected with SLC7A7-related conditions. A gross deletion of the genomic region encompassing the full coding sequence of the SLC7A7 gene has been identified. Loss-of-function variants in SLC7A7 are known to be pathogenic (PMID: 10631139, 17764084). The boundaries of this event are unknown as they extend beyond the assayed region for this gene and therefore may encompass additional genes.

Literature cited by the submitters: PubMed 10631139; PubMed 17764084.